The following is an entry in ClinVar:

ClinVar aggregate classification (germline): Uncertain significance. Review status: criteria provided, multiple submitters, no conflicts (2 of 4 stars). 7 submissions from 7 submitters: Uncertain significance (7). Last evaluated 2026-06-28.

Conditions:
TMEM43-related disorder. Also called: TMEM43-related condition.
Cardiovascular phenotype. Identifiers: MedGen CN230736.
Cardiomyopathy (CMYO). Also called: Cardiomyopathies. Identifiers: Orphanet 167848, MedGen C0878544, MONDO:0004994, HP:0001638. Inheritance: Various modes of inheritance.
Arrhythmogenic right ventricular dysplasia 5. Also called: Arrhythmogenic Right Ventricular Dysplasia/Cardiomyopathy 5; ARRHYTHMOGENIC RIGHT VENTRICULAR DYSPLASIA, FAMILIAL, 5. Identifiers: MedGen C1858379, MONDO:0011459, OMIM 604400.

Allele frequency attached by ClinVar (database versions not stated): gnomAD exomes below 0.00001 and 0.00001; ExAC 0.00001; gnomAD 0.00001; TOPMed 0.00001.
gnomAD v4.1: 12 of 1,611,960 alleles (0.00074%); highest among the groups gnomAD compares: Non-Finnish European, 0.001%; no homozygotes.

Submissions (7):

PreventionGenetics, part of Exact Sciences
Classification: Uncertain significance for TMEM43-related condition. Last evaluated: 2026-06-28. Review status: criteria provided, single submitter. Criteria: ACMG Guidelines, 2015. Collection method: clinical testing. Allele origin: germline.
Comment: The TMEM43 c.13T>C variant is predicted to result in the amino acid substitution p.Tyr5His. To our knowledge, this variant has not been reported in the literature. This variant is reported in 0.00088% of alleles in individuals of European (Non-Finnish) descent in gnomAD. At this time, the clinical significance of this variant is uncertain due to the absence of conclusive functional and genetic evidence.

Ambry Genetics
Classification: Uncertain significance for Cardiovascular phenotype. Last evaluated: 2025-10-14. Review status: criteria provided, single submitter. Criteria: Ambry Variant Classification Scheme 2023. Collection method: clinical testing. Allele origin: germline.

Labcorp Genetics (formerly Invitae), Labcorp
Classification: Uncertain significance for Arrhythmogenic right ventricular dysplasia 5. Last evaluated: 2024-08-28. Review status: criteria provided, single submitter. Criteria: Invitae Variant Classification Sherloc (09022015). Collection method: clinical testing. Allele origin: germline.
Comment: This sequence change replaces tyrosine, which is neutral and polar, with histidine, which is basic and polar, at codon 5 of the TMEM43 protein (p.Tyr5His). This variant is present in population databases (rs727505249, gnomAD 0.0009%). This variant has not been reported in the literature in individuals affected with TMEM43-related conditions. ClinVar contains an entry for this variant (Variation ID: 179967). An algorithm developed to predict the effect of missense changes on protein structure and function (PolyPhen-2) suggests that this variant is likely to be disruptive. In summary, the available evidence is currently insufficient to determine the role of this variant in disease. Therefore, it has been classified as a Variant of Uncertain Significance.

All of Us Research Program, National Institutes of Health
Classification: Uncertain significance for Arrhythmogenic right ventricular dysplasia 5. Last evaluated: 2024-06-09. Review status: criteria provided, single submitter. Criteria: ACMG Guidelines, 2015. Collection method: clinical testing. Allele origin: germline. Inheritance: Autosomal dominant inheritance. Observed: 3 variant alleles, 3 heterozygotes.
Comment: This missense variant replaces tyrosine with histidine at codon 5 of the TMEM43 protein. Computational prediction suggests that this variant may not impact protein structure and function (internally defined REVEL score threshold <= 0.5, PMID: 27666373). To our knowledge, functional studies have not been performed for this variant. This variant has not been reported in individuals affected with cardiovascular disorders in the literature. This variant has been identified in 1/250764 chromosomes in the general population by the Genome Aggregation Database (gnomAD). The available evidence is insufficient to determine the role of this variant in disease conclusively. Therefore, this variant is classified as a Variant of Uncertain Significance.

This study involves interpretation of variants in research participants for the purpose of population health screening. Participant phenotype was not available at the time of variant classification. Additional details can be found in publication PMID: 35346344, PMCID: PMC8962531

Color Diagnostics, LLC DBA Color Health
Classification: Uncertain significance for Cardiomyopathy. Last evaluated: 2024-05-23. Review status: criteria provided, single submitter. Criteria: ACMG Guidelines, 2015. Collection method: clinical testing. Allele origin: germline.
Comment: This missense variant replaces tyrosine with histidine at codon 5 of the TMEM43 protein. Computational prediction suggests that this variant may not impact protein structure and function (internally defined REVEL score threshold <= 0.5, PMID: 27666373). To our knowledge, functional studies have not been reported for this variant. This variant has not been reported in individuals affected with TMEM43-related disorders in the literature. This variant has been identified in 1/250764 chromosomes in the general population by the Genome Aggregation Database (gnomAD). The available evidence is insufficient to determine the role of this variant in disease conclusively. Therefore, this variant is classified as a Variant of Uncertain Significance.

GeneDx
Classification: Uncertain significance. Last evaluated: 2024-03-15. Review status: criteria provided, single submitter. Criteria: GeneDx Variant Classification Process June 2021. Collection method: clinical testing. Allele origin: germline. Affected: yes.
Comment: Has not been previously published as pathogenic or benign to our knowledge; Not observed at significant frequency in large population cohorts (gnomAD); In silico analysis supports that this missense variant does not alter protein structure/function

Laboratory for Molecular Medicine, Mass General Brigham Personalized Medicine
Classification: Uncertain significance. Last evaluated: 2014-08-21. Review status: criteria provided, single submitter. Criteria: LMM Criteria. Collection method: clinical testing. Allele origin: germline. Observed: 1 variant allele.
Comment: The Tyr5His variant in TMEM43 has not been previously reported in individuals wi th cardiomyopathy or in large population studies. Computational prediction tools and conservation analysis do not provide strong support for or against an impac t to the protein. This variant is located in the first base of the exon, which i s part of the 3? splice region. Computational tools do not suggest an impact to splicing. However, this information is not predictive enough to rule out pathoge nicity. In summary, the clinical significance of the Tyr5His variant is uncertai n.

NM_024334.3(TMEM43):c.13T>C (p.Tyr5His)

Gene: TMEM43 (transmembrane protein 43; plus strand). Cytogenetic location: 3p25.1.
Variant type: single nucleotide variant.
Coding change: c.13T>C on transcript NM_024334.3 (MANE Select); coding-DNA position 13, T replaced by C.
Protein change: p.Tyr5His; replaces tyrosine 5 with histidine.
Molecular consequence: missense variant.
Genome position (GRCh38, 1-based): chr3:14,129,412, T>C. VCF-style: chr3-14129412-T-C. GRCh37 (hg19) VCF-style: chr3-14170912-T-C.
Other names: short protein forms Y5H.
Identifiers: ClinVar variation 179967 (VCV000179967.20), dbSNP rs727505249, ClinGen allele CA024602.